The following is an entry in ClinVar:

NM_001961.4(EEF2):c.791+6C>T

Gene: EEF2 (eukaryotic translation elongation factor 2; minus strand). Cytogenetic location: 19p13.3.
Variant type: single nucleotide variant.
Coding change: c.791+6C>T on transcript NM_001961.4 (MANE Select); 6 bases into the intron after coding-DNA position 791, C replaced by T.
Molecular consequence: intron variant.
Genome position (GRCh38, 1-based): chr19:3,982,240, G>A on the plus strand (C>T on the coding strand, the complement: EEF2 is on the minus strand). VCF-style: chr19-3982240-G-A. GRCh37 (hg19) VCF-style: chr19-3982238-G-A.
Identifiers: ClinVar variation 3608684 (VCV003608684.2).
Genomic context (GRCh38, chr19:3,982,240, plus strand): 5'-CGCCCCTACGTCGCTGCCACTACCCCCAGGTGTCAGGAATCCCCCACCATATCCCGCGGG[G>A]CTCACCTGTCACCCCACAGCTTCTTCATCATGTCCTCTACTTTCTTGGCCCGCTCGGCAG-3'

ClinVar aggregate classification (germline): Uncertain significance (1 of 4 stars; one submission).

gnomAD v4.1: 1 of 1,613,850 alleles (0.000062%); highest among the groups gnomAD compares: Non-Finnish European, 0.000085%; no homozygotes.

Submission:

Labcorp Genetics (formerly Invitae), Labcorp
Classification: Uncertain significance. Last evaluated: 2025-03-10. Review status: criteria provided, single submitter. Criteria: Invitae Variant Classification Sherloc (09022015). Collection method: clinical testing. Allele origin: germline.
Comment: This sequence change falls in intron 5 of the EEF2 gene. It does not directly change the encoded amino acid sequence of the EEF2 protein. It affects a nucleotide within the consensus splice site. This variant is not present in population databases (gnomAD no frequency). This variant has not been reported in the literature in individuals affected with EEF2-related conditions. Variants that disrupt the consensus splice site are a relatively common cause of aberrant splicing (PMID: 17576681, 9536098). Algorithms developed to predict the effect of sequence changes on RNA splicing suggest that this variant is not likely to affect RNA splicing. In summary, the available evidence is currently insufficient to determine the role of this variant in disease. Therefore, it has been classified as a Variant of Uncertain Significance.

Literature cited by the submitters: PubMed 17576681; PubMed 9536098.